The following is an entry in ClinVar:

NM_006073.4(TRDN):c.541G>T (p.Glu181Ter)

Gene: TRDN (triadin; minus strand). Cytogenetic location: 6q22.31.
Variant type: single nucleotide variant.
Coding change: c.541G>T on transcript NM_006073.4 (MANE Select); coding-DNA position 541, G replaced by T.
Protein change: p.Glu181Ter; replaces glutamic acid 181 with a stop codon.
Molecular consequence: nonsense.
Genome position (GRCh38, 1-based): chr6:123,516,150, C>A on the plus strand (G>T on the coding strand, the complement: TRDN is on the minus strand). VCF-style: chr6-123516150-C-A. GRCh37 (hg19) VCF-style: chr6-123837295-C-A.
Other names: c.541G>T (NM_006073.2, NM_001256020.1); c.541G>T, p.Glu181Ter (NM_001251987.2, NM_001256020.2, NM_001256021.2); short protein forms E181*.
Identifiers: ClinVar variation 1427034 (VCV001427034.12), dbSNP rs1198103383, ClinGen allele CA365568185.
Genomic context (GRCh38, chr6:123,516,150, plus strand): 5'-TCAATGGGAAAGGACTCAGTGTGTTAAACAGTAATAAAAGTAACTTCATACCTTTCTTTT[C>A]AGGTTTTTCTTTTTCTCTTACTTTTTCTTTTCCTTTTTCTTTTTCTTTGTGTGTAACTGA-3'

ClinVar aggregate classification (germline): Pathogenic/Likely pathogenic. Review status: criteria provided, multiple submitters, no conflicts (2 of 4 stars). 4 submissions from 4 submitters: Pathogenic (2); Likely pathogenic (2). Last evaluated 2025-07-09.

Conditions:
Catecholaminergic polymorphic ventricular tachycardia 5 (CARDAR). Also called: CARDIAC ARRHYTHMIA SYNDROME, WITH OR WITHOUT SKELETAL MUSCLE WEAKNESS; Ventricular tachycardia, catecholaminergic polymorphic, 5, with or without muscle weakness. Identifiers: Orphanet 3286, MedGen C3809536, MONDO:0014191, OMIM 615441.
Cardiovascular phenotype. Identifiers: MedGen CN230736.
Catecholaminergic polymorphic ventricular tachycardia 1. Also called: VENTRICULAR TACHYCARDIA, CATECHOLAMINERGIC POLYMORPHIC, 1, WITH OR WITHOUT ATRIAL DYSFUNCTION AND/OR DILATED CARDIOMYOPATHY; RYR2-Related Catecholaminergic Polymorphic Ventricular Tachycardia; VENTRICULAR TACHYCARDIA, STRESS-INDUCED POLYMORPHIC 1. Identifiers: Orphanet 3286, MedGen C1631597, MONDO:0011484, OMIM 604772.

Allele frequency attached by ClinVar (database versions not stated): gnomAD 0.00001; TOPMed 0.00002; gnomAD exomes 0.00007.

Submissions (4):

Labcorp Genetics (formerly Invitae), Labcorp
Classification: Pathogenic for Catecholaminergic polymorphic ventricular tachycardia 1. Last evaluated: 2025-07-09. Review status: criteria provided, single submitter. Criteria: Invitae Variant Classification Sherloc (09022015). Collection method: clinical testing. Allele origin: germline.
Comment: This sequence change creates a premature translational stop signal (p.Glu181*) in the TRDN gene. While this is not anticipated to result in nonsense mediated decay, it is expected to disrupt the last 549 amino acid(s) of the TRDN protein. This variant is not present in population databases (gnomAD no frequency). This variant has not been reported in the literature in individuals affected with TRDN-related conditions. ClinVar contains an entry for this variant (Variation ID: 1427034). This variant disrupts a region of the TRDN protein in which other variant(s) (p.Ala208Leufs*15, p.Gln205*) have been determined to be pathogenic (PMID: 22422768, 30649896). This suggests that this is a clinically significant region of the protein, and that variants that disrupt it are likely to be disease-causing. For these reasons, this variant has been classified as Pathogenic.

Fulgent Genetics
Classification: Likely pathogenic for Catecholaminergic polymorphic ventricular tachycardia 5. Last evaluated: 2024-03-27. Review status: criteria provided, single submitter. Criteria: ACMG Guidelines, 2015. Collection method: clinical testing. Allele origin: germline.

GeneDx
Classification: Likely pathogenic. Last evaluated: 2022-05-04. Review status: criteria provided, single submitter. Criteria: GeneDx Variant Classification Process June 2021. Collection method: clinical testing. Allele origin: germline. Affected: yes.
Comment: Nonsense variant predicted to result in protein truncation or nonsense mediated decay in a gene for which loss of function is a known mechanism of disease; Not observed at significant frequency in large population cohorts (gnomAD); Has not been previously published as pathogenic or benign to our knowledge

Ambry Genetics
Classification: Pathogenic for Cardiovascular phenotype. Last evaluated: 2021-04-01. Review status: criteria provided, single submitter. Criteria: Ambry Variant Classification Scheme 2023. Collection method: clinical testing. Allele origin: germline.
Comment: The p.E181* pathogenic mutation (also known as c.541G>T), located in coding exon 6 of the TRDN gene, results from a G to T substitution at nucleotide position 541. This changes the amino acid from a glutamic acid to a stop codon within coding exon 6. This alteration is expected to result in loss of function by premature protein truncation or nonsense-mediated mRNA decay. As such, this alteration is interpreted as a disease-causing mutation.

Literature cited by the submitters: PubMed 22422768 (cited by Labcorp Genetics (formerly Invitae), Labcorp); PubMed 30649896 (cited by Labcorp Genetics (formerly Invitae), Labcorp).